The following is an entry in ClinVar:

NM_022367.4(SEMA4A):c.1694-19_1695dup

Gene: SEMA4A (semaphorin 4A; plus strand). Cytogenetic location: 1q22.
Variant type: Duplication.
Coding change: c.1694-19_1695dup on transcript NM_022367.4 (MANE Select); 19 bases into the intron before coding-DNA position 1694 through coding-DNA position 1695, 21 bases duplicated (TCCTTTCTTTCTCCTACAGTT).
Molecular consequence: splice acceptor variant.
Genome position (GRCh38, 1-based): chr1:156,176,386-156,176,406, TCCTTTCTTTCTCCTACAGTT duplicated. VCF-style (leftmost placement, unchanged base first): chr1-156176385-C-CTCCTTTCTTTCTCCTACAGTT. GRCh37 (hg19) VCF-style: chr1-156146176-C-CTCCTTTCTTTCTCCTACAGTT.
Other names: c.1187-19_1188dup (NM_001370571.1, NM_001370569.1); c.1694-19_1695dup (NM_001193300.2, NM_001193301.2, NM_001370567.1); c.1397-19_1398dup (NM_001370568.1); c.1298-19_1299dup (NM_001193302.2).
Identifiers: ClinVar variation 2115798 (VCV002115798.4), dbSNP rs2528321886, ClinGen allele CA2580061184.

ClinVar aggregate classification (germline): Uncertain significance (1 of 4 stars; one submission).

Submission:

Labcorp Genetics (formerly Invitae), Labcorp
Classification: Uncertain significance. Last evaluated: 2022-03-26. Review status: criteria provided, single submitter. Criteria: Invitae Variant Classification Sherloc (09022015). Collection method: clinical testing. Allele origin: germline.
Comment: This variant is also known as p.Ile565_Lys566ins7. Algorithms developed to predict the effect of sequence changes on RNA splicing suggest that this variant may create or strengthen a splice site. In summary, the available evidence is currently insufficient to determine the role of this variant in disease. Therefore, it has been classified as a Variant of Uncertain Significance. This variant has not been reported in the literature in individuals affected with SEMA4A-related conditions. This sequence change falls in intron 14 of the SEMA4A gene. It does not directly change the encoded amino acid sequence of the SEMA4A protein. This variant is not present in population databases (gnomAD no frequency).